The following is an entry in ClinVar:

NM_007283.7(MGLL):c.192C>T (p.His64=)

Gene: MGLL (monoglyceride lipase; minus strand). Cytogenetic location: 3q21.3.
Variant type: single nucleotide variant.
Coding change: c.192C>T on transcript NM_007283.7 (MANE Select); coding-DNA position 192, C replaced by T.
Protein change: p.His64=; no amino-acid change (histidine 64 retained).
Molecular consequence: synonymous variant. On other transcripts: 5 prime UTR variant (3).
Genome position (GRCh38, 1-based): chr3:127,781,859, G>A on the plus strand (C>T on the coding strand, the complement: MGLL is on the minus strand). VCF-style: chr3-127781859-G-A. GRCh37 (hg19) VCF-style: chr3-127500702-G-A.
Other names: c.162C>T, p.His54= (NM_001003794.3, NM_001388313.1, NM_001388314.1 and 1 more transcripts); c.192C>T, p.His64= (NM_001256585.2, NM_001388312.1); c.-106C>T (NM_001388315.1, NM_001388317.1, NM_001388318.1).
Identifiers: ClinVar variation 767930 (VCV000767930.5), dbSNP rs201794814, ClinGen allele CA2597718.

ClinVar aggregate classification (germline): Benign. Review status: criteria provided, single submitter (1 of 4 stars). 2 submissions from 2 submitters: Benign (1). 1 of the submissions does not count toward it. Last evaluated 2018-06-21.

Conditions:
MGLL-related disorder. Also called: MGLL-related condition.

Allele frequency attached by ClinVar (database versions not stated): gnomAD exomes 0.00011 and 0.00038; ExAC 0.00048; 1000 Genomes Project 30x 0.00125; 1000 Genomes Project 0.00140; gnomAD 0.00147 and 0.00157; TOPMed 0.00149; ESP Exome Variant Server 0.00168.
gnomAD v4.1: 398 of 1,614,114 alleles (0.025%); highest among the groups gnomAD compares: African/African-American, 0.5%; 2 homozygotes.

Submissions (2):

Labcorp Genetics (formerly Invitae), Labcorp
Classification: Benign. Last evaluated: 2018-06-21. Review status: criteria provided, single submitter. Criteria: Invitae Variant Classification Sherloc (09022015). Collection method: clinical testing. Allele origin: germline.

PreventionGenetics, part of Exact Sciences
Classification: Likely benign for MGLL-related condition. Last evaluated: 2019-03-11. Review status: no assertion criteria provided. Collection method: clinical testing. Allele origin: germline. Not counted in ClinVar's aggregate classification.
Comment: This variant is classified as likely benign based on ACMG/AMP sequence variant interpretation guidelines (Richards et al. 2015 PMID: 25741868, with internal and published modifications).